The following is an entry in ClinVar:

NM_004817.4(TJP2):c.559C>G (p.Arg187Gly)

Gene: TJP2 (tight junction protein 2; plus strand). Cytogenetic location: 9q21.11.
Variant type: single nucleotide variant.
Coding change: c.559C>G on transcript NM_004817.4 (MANE Select); coding-DNA position 559, C replaced by G.
Protein change: p.Arg187Gly; replaces arginine 187 with glycine.
Molecular consequence: missense variant.
Genome position (GRCh38, 1-based): chr9:69,221,103, C>G. VCF-style: chr9-69221103-C-G. GRCh37 (hg19) VCF-style: chr9-71836019-C-G.
Other names: c.490C>G, p.Arg164Gly (NM_001170414.2, NM_001369870.1, NM_001369871.1); c.571C>G, p.Arg191Gly (NM_001170415.1, NM_001369874.1, NM_001369875.1); c.652C>G, p.Arg218Gly (NM_001170416.2); c.559C>G, p.Arg187Gly (NM_001369872.1, NM_001369873.1, NM_201629.3); short protein forms R164G, R187G, R191G, R218G.
Identifiers: ClinVar variation 2582143 (VCV002582143.1), dbSNP rs201191711, ClinGen allele CA193353012.
Genomic context (GRCh38, chr9:69,221,103, plus strand): 5'-CGCAGCCGCAGCTGGGAGGACAGCCCGGAAAGGGGGCGTCCCCATGAGCGGGCCCGGAGC[C>G]GGGAGCGGGACCTCAGCCGGGACCGGAGCCGTGGCCGGAGCCTGGAGCGGGGCCTGGACC-3'
Protein context (NP_004808.2, residues 177-197): RGRPHERARS[Arg187Gly]ERDLSRDRSR

ClinVar aggregate classification (germline): Uncertain significance (1 of 4 stars; one submission).

Allele frequency attached by ClinVar (database versions not stated): gnomAD 0.00001; TOPMed 0.00001; 1000 Genomes Project 30x 0.00016; 1000 Genomes Project 0.00020.
gnomAD v4.1: 6 of 1,583,378 alleles (0.00038%); highest among the groups gnomAD compares: East Asian, 0.0093%; no homozygotes.

Submission:

GeneDx
Classification: Uncertain significance. Last evaluated: 2023-03-29. Review status: criteria provided, single submitter. Criteria: GeneDx Variant Classification Process June 2021. Collection method: clinical testing. Allele origin: germline. Affected: yes.
Comment: Not observed at significant frequency in large population cohorts (gnomAD); In silico analysis supports that this missense variant does not alter protein structure/function; Has not been previously published as pathogenic or benign to our knowledge